The following is an entry in ClinVar:

ClinVar aggregate classification (germline): Uncertain significance (1 of 4 stars; one submission).

gnomAD v4.1: 55 of 1,559,138 alleles (0.0035%); highest among the groups gnomAD compares: Non-Finnish European, 0.0044%; no homozygotes.

Submission:

Labcorp Genetics (formerly Invitae), Labcorp
Classification: Uncertain significance. Last evaluated: 2023-04-03. Review status: criteria provided, single submitter. Criteria: Invitae Variant Classification Sherloc (09022015). Collection method: clinical testing. Allele origin: germline.
Comment: This sequence change replaces serine, which is neutral and polar, with threonine, which is neutral and polar, at codon 18 of the IRF4 protein (p.Ser18Thr). In summary, the available evidence is currently insufficient to determine the role of this variant in disease. Therefore, it has been classified as a Variant of Uncertain Significance. An algorithm developed to predict the effect of missense changes on protein structure and function (PolyPhen-2) suggests that this variant is likely to be disruptive. This variant has not been reported in the literature in individuals affected with IRF4-related conditions. This variant is not present in population databases (gnomAD no frequency).

NM_002460.4(IRF4):c.53G>C (p.Ser18Thr)

Gene: IRF4 (interferon regulatory factor 4; plus strand). Cytogenetic location: 6p25.3.
Variant type: single nucleotide variant.
Coding change: c.53G>C on transcript NM_002460.4 (MANE Select); coding-DNA position 53, G replaced by C.
Protein change: p.Ser18Thr; replaces serine 18 with threonine.
Molecular consequence: missense variant. On other transcripts: non-coding transcript variant (1).
Genome position (GRCh38, 1-based): chr6:393,205, G>C. VCF-style: chr6-393205-G-C. GRCh37 (hg19) VCF-style: chr6-393205-G-C.
Other names: c.53G>C, p.Ser18Thr (NM_001195286.2); short protein forms S18T.
Identifiers: ClinVar variation 2896292 (VCV002896292.3), dbSNP rs1000698747, ClinGen allele CA362546320.